The following is an entry in ClinVar:

ClinVar aggregate classification (germline): Pathogenic (1 of 4 stars; one submission).

Conditions:
Cutis laxa with severe pulmonary, gastrointestinal and urinary anomalies. Also called: LTBP4-Related Cutis Laxa; URBAN-RIFKIN-DAVIS SYNDROME; Cutis laxa, autosomal recessive, type IC. Identifiers: Orphanet 221145, MedGen C2750804, MONDO:0013170, OMIM 613177. Disease mechanism: loss of function.

Submission:

Juno Genomics, Hangzhou Juno Genomics, Inc
Classification: Pathogenic for Cutis laxa with severe pulmonary, gastrointestinal and urinary anomalies. Review status: criteria provided, single submitter. Criteria: ACMG Guidelines, 2015. Collection method: clinical testing. Allele origin: germline.
Comment: Absent from controls (or at extremely low frequency if recessive) in Genome Aggregation Database.;Null variant in a gene where loss of function (LOF) is a known mechanism of disease.;For recessive disorders, detected in trans with a pathogenic variant.;Patient's phenotype or family history is highly specific for a disease with a single genetic etiology.

NM_001042545.2(LTBP4):c.1630del (p.Arg544fs)

Gene: LTBP4 (latent transforming growth factor beta binding protein 4; plus strand). Cytogenetic location: 19q13.2.
Variant type: Deletion.
Coding change: c.1630del on transcript NM_001042545.2 (MANE Select); coding-DNA position 1630, one base deleted (C; older notation c.1630delC).
Protein change: p.Arg544fs; shifts the reading frame from arginine 544.
Molecular consequence: frameshift variant.
Genome position (GRCh38, 1-based): chr19:40,609,817, C deleted; the last of 2 consecutive C bases (chr19:40,609,816-40,609,817); deleting either gives the same sequence. VCF-style (leftmost placement, unchanged base first): chr19-40609815-TC-T. GRCh37 (hg19) VCF-style: chr19-41115721-TC-T.
Other names: c.1831del, p.Arg611fs (NM_001042544.1); c.1720del, p.Arg574fs (NM_003573.2); short protein forms R611fs, R574fs, R544fs.
Identifiers: ClinVar variation 5005994 (VCV005005994.2).
Genomic context (GRCh38, chr19:40,609,815, plus strand): 5'-AATGTCGCCGCGTGCCCCCGCCCTGTGCTCCCGGGCGCTGCGAGAACTCACCAGGCAGCT[TC>T]CGCTGCGTGTGCGGCCCGGGCTTCCGAGCCGGCCCACGGGCTGCGGAATGCCTGGGTGAG-3'